The following is an entry in ClinVar:

ClinVar aggregate classification (germline): Benign. Review status: criteria provided, multiple submitters, no conflicts (2 of 4 stars). 3 submissions from 3 submitters: Benign (2). 1 of the submissions does not count toward it. Last evaluated 2019-12-31.

Conditions:
ZNF462-related disorder. Also called: ZNF462 related disease; ZNF462-related condition.

Allele frequency attached by ClinVar (database versions not stated): 1000 Genomes Project 30x 0.00359; 1000 Genomes Project 0.00379; TOPMed 0.00849; gnomAD exomes 0.00904; gnomAD 0.00907 and 0.00925; ExAC 0.00925; ESP Exome Variant Server 0.01123.
gnomAD v4.1: 21,969 of 1,614,062 alleles (1.4%); highest among the groups gnomAD compares: Non-Finnish European, 1.7%; 188 homozygotes.

Submissions (3):

Labcorp Genetics (formerly Invitae), Labcorp
Classification: Benign. Last evaluated: 2019-12-31. Review status: criteria provided, single submitter. Criteria: Invitae Variant Classification Sherloc (09022015). Collection method: clinical testing. Allele origin: germline.

Breakthrough Genomics
Classification: Benign. Review status: criteria provided, single submitter. Criteria: ACMG Guidelines, 2015. Collection method: not provided. Allele origin: germline. Inheritance: Autosomal dominant inheritance. Affected: yes.

PreventionGenetics, part of Exact Sciences
Classification: Benign for ZNF462-related condition. Last evaluated: 2021-04-01. Review status: no assertion criteria provided. Collection method: clinical testing. Allele origin: germline. Not counted in ClinVar's aggregate classification.
Comment: This variant is classified as benign based on ACMG/AMP sequence variant interpretation guidelines (Richards et al. 2015 PMID: 25741868, with internal and published modifications).

NM_021224.6(ZNF462):c.3779C>T (p.Thr1260Met)

Gene: ZNF462 (zinc finger protein 462; plus strand). Cytogenetic location: 9q31.2.
Variant type: single nucleotide variant.
Coding change: c.3779C>T on transcript NM_021224.6 (MANE Select); coding-DNA position 3779, C replaced by T.
Protein change: p.Thr1260Met; replaces threonine 1260 with methionine.
Molecular consequence: missense variant. On other transcripts: intron variant (1).
Genome position (GRCh38, 1-based): chr9:106,927,691, C>T. VCF-style: chr9-106927691-C-T. GRCh37 (hg19) VCF-style: chr9-109689972-C-T.
Other names: c.3252+527C>T (NM_001347997.2); c.3779C>T (NM_021224.5); short protein forms T1260M.
Identifiers: ClinVar variation 789890 (VCV000789890.7), dbSNP rs41277821, ClinGen allele CA5171720.